The following is an entry in ClinVar:

ClinVar aggregate classification (germline): Uncertain significance. Review status: criteria provided, multiple submitters, no conflicts (2 of 4 stars). 2 submissions from 2 submitters: Uncertain significance (2). Last evaluated 2025-04-03.

Conditions:
Inborn genetic diseases. Identifiers: MedGen C0950123, MeSH D030342.

gnomAD v4.1: 245 of 1,613,162 alleles (0.015%); highest among the groups gnomAD compares: Non-Finnish European, 0.02%; no homozygotes.

Submissions (2):

Ambry Genetics
Classification: Uncertain significance for Inborn genetic diseases. Last evaluated: 2025-04-03. Review status: criteria provided, single submitter. Criteria: Ambry Variant Classification Scheme 2023. Collection method: clinical testing. Allele origin: germline.

Labcorp Genetics (formerly Invitae), Labcorp
Classification: Uncertain significance. Last evaluated: 2024-03-08. Review status: criteria provided, single submitter. Criteria: Invitae Variant Classification Sherloc (09022015). Collection method: clinical testing. Allele origin: germline.
Comment: This sequence change replaces isoleucine, which is neutral and non-polar, with valine, which is neutral and non-polar, at codon 244 of the VPS13A protein (p.Ile244Val). This variant is present in population databases (rs141658020, gnomAD 0.01%). This variant has not been reported in the literature in individuals affected with VPS13A-related conditions. Advanced modeling of protein sequence and biophysical properties (such as structural, functional, and spatial information, amino acid conservation, physicochemical variation, residue mobility, and thermodynamic stability) performed at Invitae indicates that this missense variant is not expected to disrupt VPS13A protein function with a negative predictive value of 80%. In summary, the available evidence is currently insufficient to determine the role of this variant in disease. Therefore, it has been classified as a Variant of Uncertain Significance.

NM_033305.3(VPS13A):c.730A>G (p.Ile244Val)

Gene: VPS13A (vacuolar protein sorting 13 homolog A; plus strand). Cytogenetic location: 9q21.2.
Variant type: single nucleotide variant.
Coding change: c.730A>G on transcript NM_033305.3 (MANE Select); coding-DNA position 730, A replaced by G.
Protein change: p.Ile244Val; replaces isoleucine 244 with valine.
Molecular consequence: missense variant.
Genome position (GRCh38, 1-based): chr9:77,214,362, A>G. VCF-style: chr9-77214362-A-G. GRCh37 (hg19) VCF-style: chr9-79829278-A-G.
Other names: c.730A>G, p.Ile244Val (NM_001018037.2, NM_001018038.3, NM_015186.4); c.730A>G (NM_033305.2); short protein forms I244V.
Identifiers: ClinVar variation 3705199 (VCV003705199.3).
Genomic context (GRCh38, chr9:77,214,362, plus strand): 5'-AAATAAAAGCAATTTGTCTTTTAATAGGACGACTTGAAGAATGGCATTGTCAATGAAAAT[A>G]TTGTTCCAGAAGGTTATGATTTTGGTAAGTACATTTTATAAGATAAAAAAAGTAGTTAAA-3'
Protein context (NP_150648.2, residues 234-254): DLKNGIVNEN[Ile244Val]VPEGYDFVFR